The following is an entry in ClinVar:

NM_000018.4(ACADVL):c.435A>C (p.Gln145His)

Gene: ACADVL (acyl-CoA dehydrogenase very long chain; plus strand). Cytogenetic location: 17p13.1.
Variant type: single nucleotide variant.
Coding change: c.435A>C on transcript NM_000018.4 (MANE Select); coding-DNA position 435, A replaced by C.
Protein change: p.Gln145His; replaces glutamine 145 with histidine.
Molecular consequence: missense variant.
Genome position (GRCh38, 1-based): chr17:7,221,016, A>C. VCF-style: chr17-7221016-A-C. GRCh37 (hg19) VCF-style: chr17-7124335-A-C.
Other names: c.369A>C, p.Gln123His (NM_001033859.3); c.504A>C, p.Gln168His (NM_001270447.2); c.207A>C, p.Gln69His (NM_001270448.2); short protein forms Q168H, Q69H, Q123H, Q145H.
Identifiers: ClinVar variation 2620625 (VCV002620625.3), dbSNP rs1000495978, ClinGen allele CA287435413.

ClinVar aggregate classification (germline): Uncertain significance. Review status: criteria provided, multiple submitters, no conflicts (2 of 4 stars). 2 submissions from 2 submitters: Uncertain significance (2). Last evaluated 2025-04-11.

Conditions:
Inborn genetic diseases. Identifiers: MedGen C0950123, MeSH D030342.
Very long chain acyl-CoA dehydrogenase deficiency (ACADVLD). Also called: VLCAD Deficiency; Very Long-Chain Acyl-Coenzyme A Dehydrogenase Deficiency. Identifiers: Orphanet 26793, MedGen C3887523, MONDO:0008723, OMIM 201475.

Allele frequency attached by ClinVar (database versions not stated): TOPMed below 0.00001; gnomAD 0.00001.

Submissions (2):

ARUP Laboratories, Molecular Genetics and Genomics, ARUP Laboratories
Classification: Uncertain significance for Very long chain acyl-CoA dehydrogenase deficiency. Last evaluated: 2025-04-11. Review status: criteria provided, single submitter. Criteria: ARUP Molecular Germline Variant Investigation Process 2024. Collection method: clinical testing. Allele origin: germline.
Comment: The ACADVL c.435A>C; p.Gln145His variant (rs1000495978), to our knowledge, is not reported in the medical literature but is reported in ClinVar (Variation ID: 2620625). This variant is absent from the Genome Aggregation Database (v2.1.1), indicating it is not a common polymorphism. Computational analyses are uncertain whether this variant is neutral or deleterious (REVEL: 0.723). Due to limited information, the clinical significance of this variant is uncertain at this time.

Ambry Genetics
Classification: Uncertain significance for Inborn genetic diseases. Last evaluated: 2023-08-22. Review status: criteria provided, single submitter. Criteria: Ambry Variant Classification Scheme 2023. Collection method: clinical testing. Allele origin: germline.